The following is an entry in ClinVar:

ClinVar aggregate classification (germline): Pathogenic/Likely pathogenic. Review status: criteria provided, multiple submitters, no conflicts (2 of 4 stars). 2 submissions from 2 submitters: Pathogenic (1); Likely pathogenic (1). Last evaluated 2022-02-10.

Conditions:
Rare genetic deafness. Identifiers: Orphanet 96210, MedGen C5680250.

Submissions (2):

Laboratory for Molecular Medicine, Mass General Brigham Personalized Medicine
Classification: Pathogenic for Rare genetic deafness. Last evaluated: 2022-02-10. Review status: criteria provided, single submitter. Criteria: ACMG Guidelines, 2015. Collection method: clinical testing. Allele origin: germline. Inheritance: Autosomal recessive inheritance.
Comment: It has also been identified in 0.0017% (2/113430) of European chromosomes by gnomAD. However, this frequency is low enough to be consistent with a recessive allele frequency. This variant has also been reported in ClinVar (Variation ID 451441). This variant is predicted to cause a frameshift, which alters the protein’s amino acid sequence beginning at position 1168 and leads to a premature termination codon 30 amino acids downstream. This alteration is then predicted to lead to a truncated or absent protein. Loss of function of the STRC gene is an established disease mechanism in autosomal recessive hearing loss. In summary, this variant meets criteria to be classified as pathogenic for for autosomal recessive hearing loss. ACMG/AMP Criteria applied: PVS1, PM3, PM2_Supporting, PP1.

GeneDx
Classification: Likely pathogenic. Last evaluated: 2018-09-04. Review status: criteria provided, single submitter. Criteria: GeneDx Variant Classification (06012015). Collection method: clinical testing. Allele origin: germline. Affected: yes.
Comment: The c.3502_3503delCA variant in the STRC gene has not been reported previously as a pathogenic variant nor as a benign variant, to our knowledge. The c.3502_3503delCA variant causes a frameshift starting with codon Glutamine 1168, changes this amino acid to a Valine residue, and creates a premature Stop codon at position 30 of the new reading frame, denoted p.Gln1168ValfsX30. This variant is predicted to cause loss of normal protein function either through protein truncation or nonsense-mediated mRNA decay. The c.3502_3503delCA variant is not observed in the homozygous state or at a significant frequency in large population cohorts (Lek et al., 2016; 1000 Genomes Consortium et al., 2015; Exome Variant Server). We interpret c.3502_3503delCA as a likely pathogenic variant.

Literature cited by the submitters: PubMed 31552524 (cited by Laboratory for Molecular Medicine, Mass General Brigham Personalized Medicine).

NM_153700.2(STRC):c.3502_3503del (p.Gln1168fs)

Gene: STRC (stereocilin; minus strand). Cytogenetic location: 15q15.3.
Variant type: Microsatellite.
Coding change: c.3502_3503del on transcript NM_153700.2 (MANE Select); coding-DNA positions 3502 to 3503, 2 bases deleted (CA; older notation c.3502_3503delCA).
Protein change: p.Gln1168fs; shifts the reading frame from glutamine 1168.
Molecular consequence: frameshift variant.
Genome position (GRCh38, 1-based): chr15:43,609,330-43,609,331, TG deleted on the plus strand (CA on the coding strand, the reverse complement: STRC is on the minus strand); deleting any 2 consecutive bases within chr15:43,609,330-43,609,333 gives the same sequence; the c. name uses the placement nearest the transcript's 3' end. VCF-style (leftmost placement, unchanged base first): chr15-43609329-CTG-C. GRCh37 (hg19) VCF-style: chr15-43901527-CTG-C.
Other names: c.3502_3503delCA (NM_153700.2); short protein forms Q1168fs.
Identifiers: ClinVar variation 451441 (VCV000451441.3), dbSNP rs764864372, ClinGen allele CA7528320.